The following is an entry in ClinVar:

NM_015046.7(SETX):c.7452C>T (p.Ser2484=)

Gene: SETX (senataxin; minus strand). Cytogenetic location: 9q34.13.
Variant type: single nucleotide variant.
Coding change: c.7452C>T on transcript NM_015046.7 (MANE Select); coding-DNA position 7452, C replaced by T.
Protein change: p.Ser2484=; no amino-acid change (serine 2484 retained).
Molecular consequence: synonymous variant.
Genome position (GRCh38, 1-based): chr9:132,264,821, G>A on the plus strand (C>T on the coding strand, the complement: SETX is on the minus strand). VCF-style: chr9-132264821-G-A. GRCh37 (hg19) VCF-style: chr9-135140208-G-A.
Other names: c.7452C>T, p.Ser2484= (NM_001351527.2); c.7539C>T, p.Ser2513= (NM_001351528.2).
Identifiers: ClinVar variation 3032206 (VCV003032206.2), dbSNP rs2538822139, ClinGen allele CA467505023.

ClinVar aggregate classification (germline): Likely benign (0 of 4 stars; one submission).

Conditions:
SETX-related disorder. Also called: SETX-related condition; SETX-related disorders. Identifiers: MedGen CN239403.

Submission:

PreventionGenetics, part of Exact Sciences
Classification: Likely benign for SETX-related condition. Last evaluated: 2023-07-12. Review status: no assertion criteria provided. Collection method: clinical testing. Allele origin: germline.
Comment: This variant is classified as likely benign based on ACMG/AMP sequence variant interpretation guidelines (Richards et al. 2015 PMID: 25741868, with internal and published modifications).